The following is an entry in ClinVar:

NM_182916.3(TRNT1):c.1205A>G (p.Lys402Arg)

Gene: TRNT1 (tRNA nucleotidyl transferase 1; plus strand). Cytogenetic location: 3p26.2.
Variant type: single nucleotide variant.
Coding change: c.1205A>G on transcript NM_182916.3 (MANE Select); coding-DNA position 1205, A replaced by G.
Protein change: p.Lys402Arg; replaces lysine 402 with arginine.
Molecular consequence: missense variant. On other transcripts: non-coding transcript variant (8).
Genome position (GRCh38, 1-based): chr3:3,148,054, A>G. VCF-style: chr3-3148054-A-G. GRCh37 (hg19) VCF-style: chr3-3189738-A-G.
Other names: c.1145A>G, p.Lys382Arg (NM_001302946.2); c.1205A>G, p.Lys402Arg (NM_001367321.1, NM_001367322.1, NM_001367323.1); short protein forms K402R, K382R.
Identifiers: ClinVar variation 2188778 (VCV002188778.2), dbSNP rs561378563, ClinGen allele CA2228911.

ClinVar aggregate classification (germline): Uncertain significance (1 of 4 stars; one submission).

Conditions:
Congenital sideroblastic anemia-B-cell immunodeficiency-periodic fever-developmental delay syndrome. Also called: Sideroblastic anemia with B-cell immunodeficiency, periodic fevers, and developmental delay. Identifiers: Orphanet 369861, MedGen C4015172, MONDO:0014487, OMIM 616084.

Allele frequency attached by ClinVar (database versions not stated): gnomAD exomes below 0.00001; gnomAD 0.00001; ExAC 0.00003; 1000 Genomes Project 30x 0.00016; 1000 Genomes Project 0.00020.
gnomAD v4.1: 4 of 1,613,980 alleles (0.00025%); highest among the groups gnomAD compares: South Asian, 0.0022%; no homozygotes.

Submission:

Labcorp Genetics (formerly Invitae), Labcorp
Classification: Uncertain significance for Congenital sideroblastic anemia-B-cell immunodeficiency-periodic fever-developmental delay syndrome. Last evaluated: 2022-04-24. Review status: criteria provided, single submitter. Criteria: Invitae Variant Classification Sherloc (09022015). Collection method: clinical testing. Allele origin: germline.
Comment: This variant is present in population databases (rs561378563, gnomAD 0.01%). In summary, the available evidence is currently insufficient to determine the role of this variant in disease. Therefore, it has been classified as a Variant of Uncertain Significance. Algorithms developed to predict the effect of missense changes on protein structure and function (SIFT, PolyPhen-2, Align-GVGD) all suggest that this variant is likely to be tolerated. This variant has not been reported in the literature in individuals affected with TRNT1-related conditions. This sequence change replaces lysine, which is basic and polar, with arginine, which is basic and polar, at codon 402 of the TRNT1 protein (p.Lys402Arg).